The following is an entry in ClinVar:

ClinVar aggregate classification (germline): Conflicting classifications of pathogenicity. Review status: criteria provided, conflicting classifications (1 of 4 stars). 14 submissions from 10 submitters: Uncertain significance (11); Likely benign (3). Last evaluated 2026-07-20.

Conditions:
Inborn genetic diseases. Identifiers: MedGen C0950123, MeSH D030342.
CEP290-related disorder. Also called: CEP290-related condition; CEP290-related disorders. Identifiers: MedGen CN239314.
Nephronophthisis. Also called: Juvenile Nephronophthisis. Identifiers: Orphanet 655, MedGen C0687120, MONDO:0019005, HP:0000090.
Joubert syndrome. Also called: JOUBERT-BOLTSHAUSER SYNDROME; Familial aplasia of the vermis. Identifiers: Orphanet 475, MedGen C5979921, MONDO:0018772.
Meckel-Gruber syndrome. Also called: Dysencephalia splachnocystica; DYSENCEPHALIA SPLANCHNOCYSTICA; GRUBER SYNDROME. Identifiers: Orphanet 564, MedGen C0265215, MONDO:0018921.
Meckel syndrome, type 4 (MKS4). Also called: MECKEL-GRUBER SYNDROME, TYPE 4. Identifiers: Orphanet 564, MedGen C1970161, MONDO:0012626, OMIM 611134.
Bardet-Biedl syndrome 14 (BBS14). Identifiers: Orphanet 110, MedGen C2673874, MONDO:0014442, OMIM 615991.
Leber congenital amaurosis 10 (LCA10). Identifiers: Orphanet 65, MedGen C1857821, MONDO:0012723, OMIM 611755.
Joubert syndrome 5 (JBTS5). Identifiers: Orphanet 2318, MedGen C1857780, MONDO:0012432, OMIM 610188.
Senior-Loken syndrome 6 (SLSN6). Identifiers: Orphanet 3156, MedGen C1857779, MONDO:0012433, OMIM 610189.

Allele frequency attached by ClinVar (database versions not stated): ESP Exome Variant Server 0.00059; gnomAD exomes 0.00063 and 0.00079; gnomAD 0.00057 and 0.00059; ExAC 0.00058; TOPMed 0.00049.

Submissions (14):

PreventionGenetics, part of Exact Sciences
Classification: Uncertain significance for CEP290-related condition. Last evaluated: 2026-07-20. Review status: criteria provided, single submitter. Criteria: ACMG Guidelines, 2015. Collection method: clinical testing. Allele origin: germline.
Comment: The CEP290 c.226G>A variant is predicted to result in the amino acid substitution p.Ala76Thr. This variant has been reported in the heterozygous state in two individuals with Joubert syndrome (Kroes et al. 2016. PubMed ID: 25920555, Supplementary Table S2). This variant has also been reported in the heterozygous state in individuals with Leber congenital amaurosis or retinal dystrophy; however, these individuals also harbored additional variants in other genes (Skorczyk-Werner et al. 2020. PubMed: 33308271, Table 2; supplementary data, Rodriquez-Munoz et al. 2020. PubMed ID: 32036094). This variant is reported in 0.25% of alleles in individuals of Ashkenazi Jewish descent in gnomAD, which may be too common to be a primary cause of disease. Although we suspect that this variant may be benign, at this time, the clinical significance of this variant is uncertain.

Labcorp Genetics (formerly Invitae), Labcorp
Classification: Likely benign for Joubert syndrome; Meckel-Gruber syndrome; Nephronophthisis. Last evaluated: 2026-02-02. Review status: criteria provided, single submitter. Criteria: Invitae Variant Classification Sherloc (09022015). Collection method: clinical testing. Allele origin: germline.

GeneDx
Classification: Uncertain significance. Last evaluated: 2025-06-13. Review status: criteria provided, single submitter. Criteria: GeneDx Variant Classification Process June 2021. Collection method: clinical testing. Allele origin: germline. Affected: yes.
Comment: In silico analysis suggests that this missense variant does not alter protein structure/function; This variant is associated with the following publications: (PMID: 27323230, 25920555, 33308271, 32036094)

Blueprint Genetics
Classification: Likely benign. Last evaluated: 2024-11-27. Review status: criteria provided, single submitter. Criteria: ACMG Guidelines, 2015. Collection method: clinical testing. Allele origin: germline.

CeGaT Center for Human Genetics Tuebingen
Classification: Uncertain significance. Last evaluated: 2024-04-01. Review status: criteria provided, single submitter. Criteria: CeGaT Center For Human Genetics Tuebingen Variant Classification Criteria Version 2. Collection method: clinical testing. Allele origin: germline. Affected: yes. Observed: 3 variant alleles.
Comment: CEP290: PM2, PP3

Ambry Genetics
Classification: Likely benign for Inborn genetic diseases. Last evaluated: 2023-04-19. Review status: criteria provided, single submitter. Criteria: Ambry Variant Classification Scheme 2023. Collection method: clinical testing. Allele origin: germline.

Women's Health and Genetics/Laboratory Corporation of America, LabCorp
Classification: Uncertain significance. Last evaluated: 2022-04-01. Review status: criteria provided, single submitter. Criteria: LabCorp Variant Classification Summary - May 2015. Collection method: clinical testing. Allele origin: germline.
Comment: Variant summary: CEP290 c.226G>A (p.Ala76Thr) results in a non-conservative amino acid change in the encoded protein sequence. Four of five in-silico tools predict a damaging effect of the variant on protein function. The variant allele was found at a frequency of 0.00063 in 238306 control chromosomes, predominantly at a frequency of 0.00093 within the Non-Finnish European subpopulation in the gnomAD database, however in certain subpopulations e.g. in the Estonians, Bulgarians and Ashkenazi Jewish, the variant occurred with an even higher frequency, 0.0025-0.0029, which might suggest a benign role for the variant. The variant, c.226G>A, has been reported in the literature in heterozygous state in individuals affected with various disease phenotypes e.g. Joubert syndrome, Leber congenital amaurosis and cone-rod dystrophy, however in at least two of these cases other (potentially) pathogenic variants were also noted to co-occur (Kroes_2015, Skorczyk-Werner_2020, Rodriguez-Munoz_2020). These reports do not provide unequivocal conclusions about association of the variant with CEP290-Related Disorders. To our knowledge, no experimental evidence demonstrating an impact on protein function has been reported. Four clinical diagnostic laboratories have submitted clinical-significance assessments for this variant to ClinVar after 2014, and classified the variant as VUS (n=1) or likely benign (n=1). Based on the evidence outlined above, the variant was classified as VUS-possibly benign.

Genetic Services Laboratory, University of Chicago
Classification: Uncertain significance. Last evaluated: 2021-11-05. Review status: criteria provided, single submitter. Criteria: ACMG Guidelines, 2015. Collection method: clinical testing. Allele origin: germline. Affected: no.
Comment: DNA sequence analysis of the CEP290 gene demonstrated a sequence change, c.226G>A, in exon 4 that results in an amino acid change, p.Ala76Thr. This sequence change does not appear to have been previously described in patients with CEP290-related disorders and has been described in the gnomAD database with a low population frequency of 0.25% in Ashkenazi Jews subpopulation (dbSNP rs373913704). The p.Ala76Thr change affects a moderately conserved amino acid residue located in a domain of the CEP290 protein that is not known to be functional. In-silico pathogenicity prediction tools (SIFT, PolyPhen2, Align GVGD, REVEL) provide contradictory results for the p.Ala76Thr substitution. Due to these contrasting evidences and the lack of functional studies, the clinical significance of the p.Ala76Thr change remains unknown at this time.

Illumina Laboratory Services, Illumina
Classification: Uncertain significance for Leber congenital amaurosis 10. Last evaluated: 2018-06-19. Review status: criteria provided, single submitter. Criteria: ICSL Variant Classification Criteria 13 December 2019. Collection method: clinical testing. Allele origin: germline.

Illumina Laboratory Services, Illumina
Classification: Uncertain significance for Bardet-Biedl syndrome 14. Last evaluated: 2018-06-19. Review status: criteria provided, single submitter. Criteria: ICSL Variant Classification Criteria 13 December 2019. Collection method: clinical testing. Allele origin: germline.

Illumina Laboratory Services, Illumina
Classification: Uncertain significance for Joubert syndrome 5. Last evaluated: 2018-06-19. Review status: criteria provided, single submitter. Criteria: ICSL Variant Classification Criteria 13 December 2019. Collection method: clinical testing. Allele origin: germline.

Illumina Laboratory Services, Illumina
Classification: Uncertain significance for Meckel syndrome, type 4. Last evaluated: 2018-06-19. Review status: criteria provided, single submitter. Criteria: ICSL Variant Classification Criteria 13 December 2019. Collection method: clinical testing. Allele origin: germline.

Illumina Laboratory Services, Illumina
Classification: Uncertain significance for Senior-Loken syndrome 6. Last evaluated: 2018-06-19. Review status: criteria provided, single submitter. Criteria: ICSL Variant Classification Criteria 13 December 2019. Collection method: clinical testing. Allele origin: germline.

Eurofins Ntd Llc (ga)
Classification: Uncertain significance. Last evaluated: 2014-01-30. Review status: criteria provided, single submitter. Criteria: EGL Classification Definitions 2015. Collection method: clinical testing. Allele origin: germline. Observed: 1 variant allele, 1 heterozygote.

Literature cited by the submitters: PubMed 25920555 (cited by Women's Health and Genetics/Laboratory Corporation of America, LabCorp); PubMed 32036094 (cited by Women's Health and Genetics/Laboratory Corporation of America, LabCorp); PubMed 33308271 (cited by Women's Health and Genetics/Laboratory Corporation of America, LabCorp).

NM_025114.4(CEP290):c.226G>A (p.Ala76Thr)

Gene: CEP290 (centrosomal protein 290; minus strand). Cytogenetic location: 12q21.32.
Variant type: single nucleotide variant.
Coding change: c.226G>A on transcript NM_025114.4 (MANE Select); coding-DNA position 226, G replaced by A.
Protein change: p.Ala76Thr; replaces alanine 76 with threonine.
Molecular consequence: missense variant.
Genome position (GRCh38, 1-based): chr12:88,139,519, C>T on the plus strand (G>A on the coding strand, the complement: CEP290 is on the minus strand). VCF-style: chr12-88139519-C-T. GRCh37 (hg19) VCF-style: chr12-88533296-C-T.
Other names: short protein forms A76T.
Identifiers: ClinVar variation 166841 (VCV000166841.51), dbSNP rs373913704, ClinGen allele CA233682.